The following is an entry in ClinVar:

NM_000203.5(IDUA):c.1208C>T (p.Ala403Val)

Gene: IDUA (alpha-L-iduronidase; plus strand). Cytogenetic location: 4p16.3.
Variant type: single nucleotide variant.
Coding change: c.1208C>T on transcript NM_000203.5 (MANE Select); coding-DNA position 1208, C replaced by T.
Protein change: p.Ala403Val; replaces alanine 403 with valine.
Molecular consequence: missense variant. On other transcripts: non-coding transcript variant (1).
Genome position (GRCh38, 1-based): chr4:1,002,750, C>T. VCF-style: chr4-1002750-C-T. GRCh37 (hg19) VCF-style: chr4-996538-C-T.
Other names: c.812C>T, p.Ala271Val (NM_001363576.1); short protein forms A271V, A403V.
Identifiers: ClinVar variation 1423943 (VCV001423943.9), dbSNP rs1253435204, ClinGen allele CA355963560.

ClinVar aggregate classification (germline): Uncertain significance. Review status: criteria provided, multiple submitters, no conflicts (2 of 4 stars). 3 submissions from 3 submitters: Uncertain significance (3). Last evaluated 2025-11-26.

Conditions:
Mucopolysaccharidosis type 1. Also called: IDUA deficiency; MPS I; Mucopolysaccharidosis Type I. Identifiers: Orphanet 579, MedGen C0023786, MONDO:0001586.

Allele frequency attached by ClinVar (database versions not stated): gnomAD exomes below 0.00001; gnomAD 0.00001; TOPMed 0.00002.
gnomAD v4.1: 3 of 1,477,858 alleles (0.0002%); highest among the groups gnomAD compares: African/African-American, 0.0044%; no homozygotes.

Submissions (3):

Greenwood Genetic Center Diagnostic Laboratories, Greenwood Genetic Center
Classification: Uncertain significance. Last evaluated: 2025-11-26. Review status: criteria provided, single submitter. Criteria: ACMG Guidelines, 2015. Collection method: clinical testing. Allele origin: germline. Affected: yes.
Comment: PM2

Labcorp Genetics (formerly Invitae), Labcorp
Classification: Uncertain significance for Mucopolysaccharidosis type 1. Last evaluated: 2024-11-14. Review status: criteria provided, single submitter. Criteria: Invitae Variant Classification Sherloc (09022015). Collection method: clinical testing. Allele origin: germline.
Comment: This sequence change replaces alanine, which is neutral and non-polar, with valine, which is neutral and non-polar, at codon 403 of the IDUA protein (p.Ala403Val). This variant is not present in population databases (gnomAD no frequency). This variant has not been reported in the literature in individuals affected with IDUA-related conditions. ClinVar contains an entry for this variant (Variation ID: 1423943). Invitae Evidence Modeling of protein sequence and biophysical properties (such as structural, functional, and spatial information, amino acid conservation, physicochemical variation, residue mobility, and thermodynamic stability) indicates that this missense variant is not expected to disrupt IDUA protein function with a negative predictive value of 95%. In summary, the available evidence is currently insufficient to determine the role of this variant in disease. Therefore, it has been classified as a Variant of Uncertain Significance.

Revvity Omics, Revvity
Classification: Uncertain significance. Last evaluated: 2022-01-05. Review status: criteria provided, single submitter. Criteria: ACMG Guidelines, 2015. Collection method: clinical testing. Allele origin: germline.